The following is an entry in ClinVar:

ClinVar aggregate classification (germline): Uncertain significance. Review status: criteria provided, multiple submitters, no conflicts (2 of 4 stars). 2 submissions from 2 submitters: Uncertain significance (2). Last evaluated 2025-05-12.

Conditions:
Actin accumulation myopathy (CMYO2A). Also called: CONGENITAL MYOPATHY 2A, TYPICAL, AUTOSOMAL DOMINANT; Myopathy, actin, congenital, with cores; Nemaline myopathy 3, with intranuclear rods; Nemaline myopathy type 3; Myopathy, actin, congenital, with excess of thin myofilaments. Identifiers: Orphanet 98904, MedGen C3711389, MONDO:0008070, OMIM 161800.

Submissions (2):

GeneDx
Classification: Uncertain significance. Last evaluated: 2025-05-12. Review status: criteria provided, single submitter. Criteria: GeneDx Variant Classification Process June 2021. Collection method: clinical testing. Allele origin: germline. Affected: yes.
Comment: Not observed at significant frequency in large population cohorts (gnomAD); Missense variants in this gene are a common cause of disease and they are underrepresented in the general population; In silico analysis supports that this missense variant has a deleterious effect on protein structure/function; Has not been previously published as pathogenic or benign to our knowledge

Labcorp Genetics (formerly Invitae), Labcorp
Classification: Uncertain significance for Actin accumulation myopathy. Last evaluated: 2025-03-22. Review status: criteria provided, single submitter. Criteria: Invitae Variant Classification Sherloc (09022015). Collection method: clinical testing. Allele origin: germline.
Comment: This sequence change replaces serine, which is neutral and polar, with phenylalanine, which is neutral and non-polar, at codon 235 of the ACTA1 protein (p.Ser235Phe). This variant is not present in population databases (gnomAD no frequency). This variant has not been reported in the literature in individuals affected with ACTA1-related conditions. Invitae Evidence Modeling of protein sequence and biophysical properties (such as structural, functional, and spatial information, amino acid conservation, physicochemical variation, residue mobility, and thermodynamic stability) has been performed for this missense variant. However, the output from this modeling did not meet the statistical confidence thresholds required to predict the impact of this variant on ACTA1 protein function. This variant disrupts the p.Ser235 amino acid residue in ACTA1. Other variant(s) that disrupt this residue have been determined to be pathogenic (internal data). This suggests that this residue is clinically significant, and that variants that disrupt this residue are likely to be disease-causing. In summary, the available evidence is currently insufficient to determine the role of this variant in disease. Therefore, it has been classified as a Variant of Uncertain Significance.

NM_001100.4(ACTA1):c.704C>T (p.Ser235Phe)

Gene: ACTA1 (actin alpha 1, skeletal muscle; minus strand). Cytogenetic location: 1q42.13.
Variant type: single nucleotide variant.
Coding change: c.704C>T on transcript NM_001100.4 (MANE Select); coding-DNA position 704, C replaced by T.
Protein change: p.Ser235Phe; replaces serine 235 with phenylalanine.
Molecular consequence: missense variant.
Genome position (GRCh38, 1-based): chr1:229,432,098, G>A on the plus strand (C>T on the coding strand, the complement: ACTA1 is on the minus strand). VCF-style: chr1-229432098-G-A. GRCh37 (hg19) VCF-style: chr1-229567845-G-A.
Other names: short protein forms S235F.
Identifiers: ClinVar variation 4529911 (VCV004529911.2).